The following is an entry in ClinVar:

ClinVar aggregate classification (germline): Uncertain significance (1 of 4 stars; one submission).

Conditions:
Gastrointestinal stromal tumor. Also called: Gastrointestinal stromal tumor, somatic; Gastrointestinal stroma tumor. Identifiers: Orphanet 44890, MedGen C0238198, MeSH D046152, MONDO:0011719, OMIM 606764, HP:0100723.

Submission:

Labcorp Genetics (formerly Invitae), Labcorp
Classification: Uncertain significance for Gastrointestinal stromal tumor. Last evaluated: 2022-11-02. Review status: criteria provided, single submitter. Criteria: Invitae Variant Classification Sherloc (09022015). Collection method: clinical testing. Allele origin: germline.
Comment: In summary, the available evidence is currently insufficient to determine the role of this variant in disease. Therefore, it has been classified as a Variant of Uncertain Significance. Algorithms developed to predict the effect of missense changes on protein structure and function output the following: SIFT: "Tolerated"; PolyPhen-2: "Benign"; Align-GVGD: "Class C0". The alanine amino acid residue is found in multiple mammalian species, which suggests that this missense change does not adversely affect protein function. This variant has not been reported in the literature in individuals affected with KIT-related conditions. This variant is not present in population databases (gnomAD no frequency). This sequence change replaces threonine, which is neutral and polar, with alanine, which is neutral and non-polar, at codon 544 of the KIT protein (p.Thr544Ala).

NM_000222.3(KIT):c.1630A>G (p.Thr544Ala)

Gene: KIT (KIT proto-oncogene, receptor tyrosine kinase; plus strand). Cytogenetic location: 4q12.
Variant type: single nucleotide variant.
Coding change: c.1630A>G on transcript NM_000222.3 (MANE Select); coding-DNA position 1630, A replaced by G.
Protein change: p.Thr544Ala; replaces threonine 544 with alanine.
Molecular consequence: missense variant.
Genome position (GRCh38, 1-based): chr4:54,727,307, A>G. VCF-style: chr4-54727307-A-G. GRCh37 (hg19) VCF-style: chr4-55593473-A-G.
Other names: c.1618A>G, p.Thr540Ala (NM_001093772.2, NM_001385286.1); c.1633A>G, p.Thr545Ala (NM_001385284.1, NM_001385290.1); c.1630A>G, p.Thr544Ala (NM_001385285.1); c.1621A>G, p.Thr541Ala (NM_001385288.1, NM_001385292.1); short protein forms T540A, T544A, T545A, T541A.
Identifiers: ClinVar variation 2810531 (VCV002810531.1), dbSNP rs2109774516, ClinGen allele CA356907359.